The following is an entry in ClinVar:

NM_024675.4(PALB2):c.1929T>A (p.Phe643Leu)

Gene: PALB2 (partner and localizer of BRCA2; minus strand). Cytogenetic location: 16p12.2.
Variant type: single nucleotide variant.
Coding change: c.1929T>A on transcript NM_024675.4 (MANE Select); coding-DNA position 1929, T replaced by A.
Protein change: p.Phe643Leu; replaces phenylalanine 643 with leucine.
Molecular consequence: missense variant. On other transcripts: intron variant (1).
Genome position (GRCh38, 1-based): chr16:23,630,225, A>T on the plus strand (T>A on the coding strand, the complement: PALB2 is on the minus strand). VCF-style: chr16-23630225-A-T. GRCh37 (hg19) VCF-style: chr16-23641546-A-T.
Other names: c.1869T>A, p.Phe623Leu (NM_001407296.1); c.1929T>A, p.Phe643Leu (NM_001407297.1, NM_001407298.1, NM_001407299.1 and 3 more transcripts); c.1044T>A, p.Phe348Leu (NM_001407304.1, NM_001407305.1, NM_001407306.1 and 5 more transcripts); c.141T>A, p.Phe47Leu (NM_001407312.1, NM_001407313.1); c.49-950T>A (NM_001407314.1); short protein forms F348L, F643L, F47L, F623L.
Identifiers: ClinVar variation 2986124 (VCV002986124.3), dbSNP rs995715653, ClinGen allele CA395127475.

ClinVar aggregate classification (germline): Uncertain significance (1 of 4 stars; one submission).

Conditions:
Familial cancer of breast. Also called: BREAST CANCER, FAMILIAL; Hereditary breast cancer; hereditary breast carcinoma. Identifiers: Orphanet 227535, MedGen C0346153, MONDO:0016419, OMIM 114480. Disease mechanism: loss of function.

Submission:

Labcorp Genetics (formerly Invitae), Labcorp
Classification: Uncertain significance for Familial cancer of breast. Last evaluated: 2023-10-16. Review status: criteria provided, single submitter. Criteria: Invitae Variant Classification Sherloc (09022015). Collection method: clinical testing. Allele origin: germline.
Comment: This sequence change replaces phenylalanine, which is neutral and non-polar, with leucine, which is neutral and non-polar, at codon 643 of the PALB2 protein (p.Phe643Leu). This variant is not present in population databases (gnomAD no frequency). This variant has not been reported in the literature in individuals affected with PALB2-related conditions. Advanced modeling of protein sequence and biophysical properties (such as structural, functional, and spatial information, amino acid conservation, physicochemical variation, residue mobility, and thermodynamic stability) performed at Invitae indicates that this missense variant is not expected to disrupt PALB2 protein function. In summary, the available evidence is currently insufficient to determine the role of this variant in disease. Therefore, it has been classified as a Variant of Uncertain Significance.